The following is an entry in ClinVar:

NM_006734.4(HIVEP2):c.6421A>T (p.Ile2141Leu)

Gene: HIVEP2 (HIVEP zinc finger 2; minus strand). Cytogenetic location: 6q24.2.
Variant type: single nucleotide variant.
Coding change: c.6421A>T on transcript NM_006734.4 (MANE Select); coding-DNA position 6421, A replaced by T.
Protein change: p.Ile2141Leu; replaces isoleucine 2141 with leucine.
Molecular consequence: missense variant.
Genome position (GRCh38, 1-based): chr6:142,759,867, T>A on the plus strand (A>T on the coding strand, the complement: HIVEP2 is on the minus strand). VCF-style: chr6-142759867-T-A. GRCh37 (hg19) VCF-style: chr6-143081004-T-A.
Other names: c.6421A>T, p.Ile2141Leu (NM_001438449.1, NM_001438450.1, NM_001438451.1); short protein forms I2141L.
Identifiers: ClinVar variation 4773586 (VCV004773586.1).

ClinVar aggregate classification (germline): Uncertain significance (1 of 4 stars; one submission).

gnomAD v4.1: 1 of 1,613,980 alleles (0.000062%); highest among the groups gnomAD compares: Non-Finnish European, 0.000085%; no homozygotes.

Submission:

Labcorp Genetics (formerly Invitae), Labcorp
Classification: Uncertain significance. Last evaluated: 2025-07-30. Review status: criteria provided, single submitter. Criteria: Invitae Variant Classification Sherloc (09022015). Collection method: clinical testing. Allele origin: germline.
Comment: This sequence change replaces isoleucine, which is neutral and non-polar, with leucine, which is neutral and non-polar, at codon 2141 of the HIVEP2 protein (p.Ile2141Leu). This variant is not present in population databases (gnomAD no frequency). This variant has not been reported in the literature in individuals affected with HIVEP2-related conditions. An algorithm developed to predict the effect of missense changes on protein structure and function outputs the following: PolyPhen-2: "Benign". The leucine amino acid residue is found in multiple mammalian species, which suggests that this missense change does not adversely affect protein function. In summary, the available evidence is currently insufficient to determine the role of this variant in disease. Therefore, it has been classified as a Variant of Uncertain Significance.